The following is an entry in ClinVar:

ClinVar aggregate classification (germline): Uncertain significance (1 of 4 stars; one submission).

Conditions:
Tumor predisposition syndrome 3 (TPDS3). Also called: Glioma susceptibility 9; LONG TELOMERE SYNDROME, POT1-RELATED; POT1 Tumor Predisposition; Melanoma, cutaneous malignant, susceptibility to, 10. Identifiers: Orphanet 618, MedGen C4014476, MONDO:0014368, OMIM 615848.

Submission:

Labcorp Genetics (formerly Invitae), Labcorp
Classification: Uncertain significance for Tumor predisposition syndrome 3. Last evaluated: 2023-06-18. Review status: criteria provided, single submitter. Criteria: Invitae Variant Classification Sherloc (09022015). Collection method: clinical testing. Allele origin: unknown.
Comment: In summary, the available evidence is currently insufficient to determine the role of this variant in disease. Therefore, it has been classified as a Variant of Uncertain Significance. Experimental studies and prediction algorithms are not available or were not evaluated, and the functional significance of this variant is currently unknown. This variant has not been reported in the literature in individuals affected with POT1-related conditions. This variant is a gross deletion of the genomic region encompassing exon(s) 16-19 of the POT1 gene, which includes the termination codon. This deletion extends beyond the assayed region for this gene and therefore may encompass additional genes. While this deletion is not anticipated to lead to nonsense mediated decay, it is expected to alter mRNA translation or result in a truncated protein product.

NC_000007.13:g.(?_124464016)_(124469416_?)del

Gene: POT1 (protection of telomeres 1; minus strand). Cytogenetic location: 7q31.33.
Variant type: Deletion.
Identifiers: ClinVar variation 3245820 (VCV003245820.1).